The following is an entry in ClinVar:

ClinVar aggregate classification (germline): Pathogenic/Likely pathogenic. Review status: criteria provided, multiple submitters, no conflicts (2 of 4 stars). 3 submissions from 3 submitters: Pathogenic (1); Likely pathogenic (1). 1 of the submissions does not count toward it. Last evaluated 2025-04-14.

Conditions:
Arthrogryposis multiplex congenita 6. Identifiers: MedGen C5543431, MONDO:0030281, OMIM 619334.
Nemaline myopathy 2 (NEM2). Also called: Nemaline myopathy 2, autosomal recessive. Identifiers: MedGen C1850569, MONDO:0009725, OMIM 256030.

Submissions (3):

Dasa
Classification: Likely pathogenic for Nemaline myopathy 2. Last evaluated: 2025-04-14. Review status: criteria provided, single submitter. Criteria: DASA Assertion Criteria. Collection method: clinical testing. Allele origin: germline.
Comment: NM_001164508.2(NEB):c.1802_1803del (p.Tyr601*) is a frameshift variant in NEB predicted to alter the reading frame and introduce a premature termination codon and is predicted to result in an absent or altered protein product. Loss of function is an established disease mechanism for NEB-associated disorders. Also, this variant is absent from population databases. Based on the currently available evidence, this variant is classified as likely pathogenic.

Baylor Genetics
Classification: Pathogenic for Arthrogryposis multiplex congenita 6. Last evaluated: 2024-03-17. Review status: criteria provided, single submitter. Criteria: ACMG Guidelines, 2015. Collection method: clinical testing. Allele origin: unknown.

Counsyl
Classification: Likely pathogenic for Nemaline myopathy 2. Last evaluated: 2017-06-08. Review status: no assertion criteria provided. Collection method: clinical testing. Allele origin: unknown. Not counted in ClinVar's aggregate classification.

NM_001164508.2(NEB):c.1802_1803del (p.Asp600_Tyr601insTer)

Gene: NEB (nebulin; minus strand). Cytogenetic location: 2q23.3.
Variant type: Deletion.
Coding change: c.1802_1803del on transcript NM_001164508.2 (MANE Select); coding-DNA positions 1802 to 1803, 2 bases deleted (AT; older notation c.1802_1803delAT).
Protein change: p.Asp600_Tyr601insTer.
Molecular consequence: nonsense.
Genome position (GRCh38, 1-based): chr2:151,694,416-151,694,417, AT deleted on the plus strand (AT on the coding strand, the reverse complement: NEB is on the minus strand); deleting any 2 consecutive bases within chr2:151,694,416-151,694,418 gives the same sequence; the c. name uses the placement nearest the transcript's 3' end. VCF-style (leftmost placement, unchanged base first): chr2-151694415-CAT-C. GRCh37 (hg19) VCF-style: chr2-152550929-CAT-C.
Other names: c.1802_1803del (NM_001271208.1); c.1802_1803delAT (NM_001271208.1); c.1802_1803del, p.Asp600_Tyr601insTer (NM_001164507.2, NM_001271208.2, NM_004543.5).
Identifiers: ClinVar variation 552415 (VCV000552415.6), dbSNP rs1553601066, ClinGen allele CA658823144.